The following is an entry in ClinVar:

ClinVar aggregate classification (germline): Uncertain significance. Review status: criteria provided, multiple submitters, no conflicts (2 of 4 stars). 3 submissions from 3 submitters: Uncertain significance (3). Last evaluated 2025-04-28.

Conditions:
Inborn genetic diseases. Identifiers: MedGen C0950123, MeSH D030342.

Allele frequency attached by ClinVar (database versions not stated): TOPMed below 0.00001; gnomAD 0.00001; gnomAD exomes 0.00001; ExAC 0.00002; ESP Exome Variant Server 0.00008.
gnomAD v4.1: 11 of 1,614,050 alleles (0.00068%); highest among the groups gnomAD compares: Non-Finnish European, 0.00093%; no homozygotes.

Submissions (3):

Ambry Genetics
Classification: Uncertain significance for Inborn genetic diseases. Last evaluated: 2025-04-28. Review status: criteria provided, single submitter. Criteria: Ambry Variant Classification Scheme 2023. Collection method: clinical testing. Allele origin: germline.

Labcorp Genetics (formerly Invitae), Labcorp
Classification: Uncertain significance. Last evaluated: 2025-01-18. Review status: criteria provided, single submitter. Criteria: Invitae Variant Classification Sherloc (09022015). Collection method: clinical testing. Allele origin: germline.
Comment: This sequence change replaces serine, which is neutral and polar, with cysteine, which is neutral and slightly polar, at codon 442 of the VCAN protein (p.Ser442Cys). This variant is present in population databases (rs368696727, gnomAD 0.002%). This variant has not been reported in the literature in individuals affected with VCAN-related conditions. ClinVar contains an entry for this variant (Variation ID: 1012123). An algorithm developed to predict the effect of missense changes on protein structure and function (PolyPhen-2) suggests that this variant is likely to be disruptive. In summary, the available evidence is currently insufficient to determine the role of this variant in disease. Therefore, it has been classified as a Variant of Uncertain Significance.

Blueprint Genetics
Classification: Uncertain significance. Last evaluated: 2018-08-26. Review status: criteria provided, single submitter. Criteria: ACMG Guidelines, 2015. Collection method: clinical testing. Allele origin: germline.

NM_004385.5(VCAN):c.1325C>G (p.Ser442Cys)

Gene: VCAN (versican; plus strand). Cytogenetic location: 5q14.3.
Variant type: single nucleotide variant.
Coding change: c.1325C>G on transcript NM_004385.5 (MANE Select); coding-DNA position 1325, C replaced by G.
Protein change: p.Ser442Cys; replaces serine 442 with cysteine.
Molecular consequence: missense variant. On other transcripts: intron variant (2).
Genome position (GRCh38, 1-based): chr5:83,519,631, C>G. VCF-style: chr5-83519631-C-G. GRCh37 (hg19) VCF-style: chr5-82815450-C-G.
Other names: c.1325C>G, p.Ser442Cys (NM_001164098.2); c.1042+7235C>G (NM_001164097.2, NM_001126336.3); c.1325C>G (NM_004385.4); short protein forms S442C.
Identifiers: ClinVar variation 1012123 (VCV001012123.10), dbSNP rs368696727, ClinGen allele CA3332650.
Genomic context (GRCh38, chr5:83,519,631, plus strand): 5'-AATTACCCACACCTACTGGCAGTACCAAGAAGCCCTGGGATATGGATGACTACTCACCTT[C>G]TGCTTCAGGACCTCTTGGAAAGCTAGACATATCAGAAATTAAGGAAGAAGTGCTCCAGAG-3'
Protein context (NP_004376.2, residues 432-452): KPWDMDDYSP[Ser442Cys]ASGPLGKLDI